The following is an entry in ClinVar:

NM_174936.4(PCSK9):c.113A>G (p.Tyr38Cys)

Gene: PCSK9 (proprotein convertase subtilisin/kexin type 9; plus strand). Cytogenetic location: 1p32.3.
Variant type: single nucleotide variant.
Coding change: c.113A>G on transcript NM_174936.4 (MANE Select); coding-DNA position 113, A replaced by G.
Protein change: p.Tyr38Cys; replaces tyrosine 38 with cysteine.
Molecular consequence: missense variant. On other transcripts: 5 prime UTR variant (1), non-coding transcript variant (8).
Genome position (GRCh38, 1-based): chr1:55,039,950, A>G. VCF-style: chr1-55039950-A-G. GRCh37 (hg19) VCF-style: chr1-55505623-A-G.
Other names: c.113A>G, p.Tyr38Cys (NM_001407240.1, NM_001407241.1, NM_001407242.1 and 4 more transcripts); c.-622A>G (NM_001407246.1); short protein forms Y38C.
Identifiers: ClinVar variation 2758749 (VCV002758749.3), dbSNP rs2523164477, ClinGen allele CA340482801.
Genomic context (GRCh38, chr1:55,039,950, plus strand): 5'-TGCTGCTGCTGCTCCTGGGTCCCGCGGGCGCCCGTGCGCAGGAGGACGAGGACGGCGACT[A>G]CGAGGAGCTGGTGCTAGCCTTGCGTTCCGAGGAGGACGGCCTGGCCGAAGCACCCGAGCA-3'
Protein context (NP_777596.2, residues 28-48): ARAQEDEDGD[Tyr38Cys]EELVLALRSE

ClinVar aggregate classification (germline): Uncertain significance (1 of 4 stars; one submission).

Conditions:
Hypercholesterolemia, autosomal dominant, 3 (FHCL3). Also called: PCSK9-Related Familial Hypercholesterolemia, Autosomal Dominant; Familial Hypercholesterolemia, Autosomal Dominant, 3; Familial hypercholesterolemia 3. Identifiers: MedGen C1863551, MONDO:0011369, OMIM 603776.

gnomAD v4.1: 4 of 1,575,682 alleles (0.00025%); highest among the groups gnomAD compares: Non-Finnish European, 0.00034%; no homozygotes.

Submission:

Labcorp Genetics (formerly Invitae), Labcorp
Classification: Uncertain significance for Hypercholesterolemia, autosomal dominant, 3. Last evaluated: 2024-01-06. Review status: criteria provided, single submitter. Criteria: Invitae Variant Classification Sherloc (09022015). Collection method: clinical testing. Allele origin: germline.
Comment: This sequence change replaces tyrosine, which is neutral and polar, with cysteine, which is neutral and slightly polar, at codon 38 of the PCSK9 protein (p.Tyr38Cys). This variant is not present in population databases (gnomAD no frequency). This variant has not been reported in the literature in individuals affected with PCSK9-related conditions. Advanced modeling of protein sequence and biophysical properties (such as structural, functional, and spatial information, amino acid conservation, physicochemical variation, residue mobility, and thermodynamic stability) has been performed at Invitae for this missense variant, however the output from this modeling did not meet the statistical confidence thresholds required to predict the impact of this variant on PCSK9 protein function. In summary, the available evidence is currently insufficient to determine the role of this variant in disease. Therefore, it has been classified as a Variant of Uncertain Significance.